The following is an entry in ClinVar:

NM_173494.2(DNAAF6):c.31A>C (p.Met11Leu)

Gene: DNAAF6 (dynein axonemal assembly factor 6; plus strand). Cytogenetic location: Xq22.3.
Variant type: single nucleotide variant.
Coding change: c.31A>C on transcript NM_173494.2 (MANE Select); coding-DNA position 31, A replaced by C.
Protein change: p.Met11Leu; replaces methionine 11 with leucine.
Molecular consequence: missense variant.
Genome position (GRCh38, 1-based): chrX:107,212,906, A>C. VCF-style: chrX-107212906-A-C. GRCh37 (hg19) VCF-style: chrX-106456136-A-C.
Other names: c.31A>C, p.Met11Leu (NM_001169154.2); short protein forms M11L.
Identifiers: ClinVar variation 1683168 (VCV001683168.6), dbSNP rs1385499843, ClinGen allele CA413887038.

ClinVar aggregate classification (germline): Uncertain significance (1 of 4 stars; one submission).

Allele frequency attached by ClinVar (database versions not stated): gnomAD exomes below 0.00001.

Submission:

Labcorp Genetics (formerly Invitae), Labcorp
Classification: Uncertain significance. Last evaluated: 2025-08-06. Review status: criteria provided, single submitter. Criteria: Invitae Variant Classification Sherloc (09022015). Collection method: clinical testing. Allele origin: germline.
Comment: This sequence change replaces methionine, which is neutral and non-polar, with leucine, which is neutral and non-polar, at codon 11 of the PIH1D3 protein (p.Met11Leu). This variant is not present in population databases (gnomAD no frequency). This missense change has been observed in individual(s) with clinical features of PIH1D3-related conditions (internal data). ClinVar contains an entry for this variant (Variation ID: 1683168). An algorithm developed to predict the effect of missense changes on protein structure and function (PolyPhen-2) suggests that this variant is likely to be tolerated. In summary, the available evidence is currently insufficient to determine the role of this variant in disease. Therefore, it has been classified as a Variant of Uncertain Significance.